The following is an entry in ClinVar:

NM_001853.4(COL9A3):c.287C>G (p.Pro96Arg)

Gene: COL9A3 (collagen type IX alpha 3 chain; plus strand). Cytogenetic location: 20q13.33.
Variant type: single nucleotide variant.
Coding change: c.287C>G on transcript NM_001853.4 (MANE Select); coding-DNA position 287, C replaced by G.
Protein change: p.Pro96Arg; replaces proline 96 with arginine.
Molecular consequence: missense variant.
Genome position (GRCh38, 1-based): chr20:62,819,960, C>G. VCF-style: chr20-62819960-C-G. GRCh37 (hg19) VCF-style: chr20-61451312-C-G.
Other names: short protein forms P96R.
Identifiers: ClinVar variation 3637709 (VCV003637709.2).
Genomic context (GRCh38, chr20:62,819,960, plus strand): 5'-CCTCGAGCTCGCCCTCTGCCTCTCCCCAGGGTCTGACTGGACGAGATGGACCCCCTGGAC[C>G]CAAGGGTGCCCCTGGGGAACGGGTAAGTGCCTGCGCCGAACCCAGTGGCTTGGGTTCAGA-3'
Protein context (NP_001844.3, residues 86-106): GLTGRDGPPG[Pro96Arg]KGAPGERGSL

ClinVar aggregate classification (germline): Uncertain significance (1 of 4 stars; one submission).

gnomAD v4.1: 1 of 1,612,902 alleles (0.000062%); highest among the groups gnomAD compares: South Asian, 0.0011%; no homozygotes.

Submission:

Labcorp Genetics (formerly Invitae), Labcorp
Classification: Uncertain significance. Last evaluated: 2024-12-27. Review status: criteria provided, single submitter. Criteria: Invitae Variant Classification Sherloc (09022015). Collection method: clinical testing. Allele origin: germline.
Comment: This sequence change replaces proline, which is neutral and non-polar, with arginine, which is basic and polar, at codon 96 of the COL9A3 protein (p.Pro96Arg). This variant is present in population databases (no rsID available, gnomAD 0.003%). This variant has not been reported in the literature in individuals affected with COL9A3-related conditions. Invitae Evidence Modeling of protein sequence and biophysical properties (such as structural, functional, and spatial information, amino acid conservation, physicochemical variation, residue mobility, and thermodynamic stability) indicates that this missense variant is not expected to disrupt COL9A3 protein function with a negative predictive value of 95%. In summary, the available evidence is currently insufficient to determine the role of this variant in disease. Therefore, it has been classified as a Variant of Uncertain Significance.